The following is an entry in ClinVar:

ClinVar aggregate classification (germline): Conflicting classifications of pathogenicity. Review status: criteria provided, conflicting classifications (1 of 4 stars). 12 submissions from 12 submitters: Uncertain significance (2); Benign (3); Likely benign (6). 1 of the submissions does not count toward it. Last evaluated 2026-01-24.

Conditions:
Ehlers-Danlos syndrome, classic type, 2 (EDSCL2). Also called: Ehlers-Danlos syndrome type 2 (formerly); Ehlers-Danlos syndrome, type 2; Ehlers-Danlos Syndrome, Classic Type, COL5A2-Related. Identifiers: Orphanet 287, Orphanet 90318, MedGen C0268336, MONDO:0019568, OMIM 130010.
Connective tissue disorder. Also called: Connective tissue disease. Identifiers: MedGen C0009782, MONDO:0003900.
Ehlers-Danlos syndrome (EDS). Identifiers: Orphanet 98249, MedGen C0013720, MONDO:0020066.
COL5A2-related disorder. Also called: COL5A2-related condition.
Familial thoracic aortic aneurysm and aortic dissection (TAAD). Also called: Thoracic aortic aneurysms and dissections. Identifiers: Orphanet 91387, MedGen C4707243, MONDO:0019625.
Ehlers-Danlos syndrome, classic type, 1 (EDSCL1). Also called: EHLERS-DANLOS SYNDROME, GRAVIS TYPE; EHLERS-DANLOS SYNDROME, SEVERE CLASSIC TYPE; Ehlers-Danlos syndrome, type 1; Ehlers-Danlos Syndrome, Classic Type, COL5A1-Related; EDS I. Identifiers: MedGen C0268335, MONDO:0019567, OMIM 130000.

Allele frequency attached by ClinVar (database versions not stated): gnomAD 0.00029; 1000 Genomes Project 30x 0.00031; 1000 Genomes Project 0.00040; ESP Exome Variant Server 0.00054; TOPMed 0.00078.
gnomAD v4.1: 646 of 1,608,322 alleles (0.04%); highest among the groups gnomAD compares: Admixed American, 0.14%; 1 homozygote.

Submissions (12):

Labcorp Genetics (formerly Invitae), Labcorp
Classification: Benign for Ehlers-Danlos syndrome, classic type, 1. Last evaluated: 2026-01-24. Review status: criteria provided, single submitter. Criteria: Invitae Variant Classification Sherloc (09022015). Collection method: clinical testing. Allele origin: germline.

Mayo Clinic Laboratories, Mayo Clinic
Classification: Likely benign. Last evaluated: 2024-11-14. Review status: criteria provided, single submitter. Criteria: ACMG Guidelines, 2015. Collection method: clinical testing. Allele origin: germline. Observed: 2 variant alleles.
Comment: BS1

Blueprint Genetics
Classification: Likely benign. Last evaluated: 2024-09-16. Review status: criteria provided, single submitter. Criteria: ACMG Guidelines, 2015. Collection method: clinical testing. Allele origin: germline.

CeGaT Center for Human Genetics Tuebingen
Classification: Benign. Last evaluated: 2024-07-01. Review status: criteria provided, single submitter. Criteria: CeGaT Center For Human Genetics Tuebingen Variant Classification Criteria Version 2. Collection method: clinical testing. Allele origin: germline. Affected: yes. Observed: 1 variant allele.
Comment: COL5A2: PP3, BS1, BS2

Women's Health and Genetics/Laboratory Corporation of America, LabCorp
Classification: Likely benign. Last evaluated: 2024-05-06. Review status: criteria provided, single submitter. Criteria: LabCorp Variant Classification Summary - May 2015. Collection method: clinical testing. Allele origin: germline.

ARUP Laboratories, Molecular Genetics and Genomics, ARUP Laboratories
Classification: Likely benign for Ehlers-Danlos syndrome, classic type, 2. Last evaluated: 2023-10-26. Review status: criteria provided, single submitter. Criteria: ARUP Molecular Germline Variant Investigation Process 2024. Collection method: clinical testing. Allele origin: germline.

Genome Diagnostics Laboratory, The Hospital for Sick Children
Classification: Uncertain significance for Ehlers-Danlos syndrome. Last evaluated: 2021-09-20. Review status: criteria provided, single submitter. Criteria: ACMG Guidelines, 2015. Collection method: clinical testing. Allele origin: germline.

GeneDx
Classification: Likely benign. Last evaluated: 2020-09-14. Review status: criteria provided, single submitter. Criteria: GeneDx Variant Classification Process June 2021. Collection method: clinical testing. Allele origin: germline. Affected: yes.

Center for Human Genetics, Inc
Classification: Uncertain significance for Connective tissue disorder. Last evaluated: 2018-06-01. Review status: criteria provided, single submitter. Criteria: ACMG Guidelines, 2015. Collection method: clinical testing. Allele origin: germline. Affected: yes.

Illumina Laboratory Services, Illumina
Classification: Likely benign for Ehlers-Danlos syndrome, classic type, 2. Last evaluated: 2018-01-13. Review status: criteria provided, single submitter. Criteria: ICSL Variant Classification Criteria 13 December 2019. Collection method: clinical testing. Allele origin: germline.
Comment: This variant was observed in the ICSL laboratory as part of a predisposition screen in an ostensibly healthy population. It had not been previously curated by ICSL or reported in the Human Gene Mutation Database (HGMD: prior to June 1st, 2018), and was therefore a candidate for classification through an automated scoring system. Utilizing variant allele frequency, disease prevalence and penetrance estimates, and inheritance mode, an automated score was calculated to assess if this variant is too frequent to cause the disease. Based on the score and internal cut-off values, a variant classified as likely benign is not then subjected to further curation. The score for this variant resulted in a classification of likely benign for this disease.

Ambry Genetics
Classification: Benign for Familial thoracic aortic aneurysm and aortic dissection. Last evaluated: 2017-01-24. Review status: criteria provided, single submitter. Criteria: Ambry Variant Classification Scheme 2023. Collection method: clinical testing. Allele origin: germline.

PreventionGenetics, part of Exact Sciences
Classification: Likely benign for COL5A2-related condition. Last evaluated: 2019-12-16. Review status: no assertion criteria provided. Collection method: clinical testing. Allele origin: germline. Not counted in ClinVar's aggregate classification.
Comment: This variant is classified as likely benign based on ACMG/AMP sequence variant interpretation guidelines (Richards et al. 2015 PMID: 25741868, with internal and published modifications).

NM_000393.5(COL5A2):c.2291C>G (p.Pro764Arg)

Gene: COL5A2 (collagen type V alpha 2 chain; minus strand). Cytogenetic location: 2q32.2.
Variant type: single nucleotide variant.
Coding change: c.2291C>G on transcript NM_000393.5 (MANE Select); coding-DNA position 2291, C replaced by G.
Protein change: p.Pro764Arg; replaces proline 764 with arginine.
Molecular consequence: missense variant.
Genome position (GRCh38, 1-based): chr2:189,057,366, G>C on the plus strand (C>G on the coding strand, the complement: COL5A2 is on the minus strand). VCF-style: chr2-189057366-G-C. GRCh37 (hg19) VCF-style: chr2-189922092-G-C.
Other names: p.P764R:CCG>CGG; p.Pro764Arg; short protein forms P764R.
Identifiers: ClinVar variation 213106 (VCV000213106.47), dbSNP rs150260969, ClinGen allele CA323507.